The following is an entry in ClinVar:

NM_001127222.2(CACNA1A):c.5155G>A (p.Asp1719Asn)

Gene: CACNA1A (calcium voltage-gated channel subunit alpha1 A; minus strand). Cytogenetic location: 19p13.13.
Variant type: single nucleotide variant.
Coding change: c.5155G>A on transcript NM_001127222.2 (MANE Select); coding-DNA position 5155, G replaced by A.
Protein change: p.Asp1719Asn; replaces aspartic acid 1719 with asparagine.
Molecular consequence: missense variant.
Genome position (GRCh38, 1-based): chr19:13,235,015, C>T on the plus strand (G>A on the coding strand, the complement: CACNA1A is on the minus strand). VCF-style: chr19-13235015-C-T. GRCh37 (hg19) VCF-style: chr19-13345829-C-T.
Other names: c.5173G>A, p.Asp1725Asn (NM_000068.4, NM_023035.3); c.5158G>A, p.Asp1720Asn (NM_001127221.2); c.5164G>A, p.Asp1722Asn (NM_001174080.2); c.5155G>A (NM_001127222.1); short protein forms D1720N, D1719N, D1722N, D1725N.
Identifiers: ClinVar variation 373709 (VCV000373709.53), dbSNP rs368257155, ClinGen allele CA9239810.

ClinVar aggregate classification (germline): Conflicting classifications of pathogenicity. Review status: criteria provided, conflicting classifications (1 of 4 stars). 5 submissions from 5 submitters: Uncertain significance (2); Likely benign (3). Last evaluated 2026-01-26.

Conditions:
Developmental and epileptic encephalopathy, 42 (DEE42A). Also called: DEVELOPMENTAL AND EPILEPTIC ENCEPHALOPATHY 42A; EPILEPTIC ENCEPHALOPATHY, EARLY INFANTILE, 42A; Epileptic encephalopathy, early infantile, 42. Identifiers: MedGen C4310716, MONDO:0014917, OMIM 617106.
Episodic ataxia type 2 (EA2). Also called: ACETAZOLAMIDE-RESPONSIVE HEREDITARY PAROXYSMAL CEREBELLAR ATAXIA; ATAXIA, EPISODIC, WITH NYSTAGMUS; ATAXIA, FAMILIAL PAROXYSMAL; CEREBELLAR ATAXIA, PAROXYSMAL, ACETAZOLAMIDE-RESPONSIVE; CEREBELLOPATHY, HEREDITARY PAROXYSMAL; EPISODIC ATAXIA, NYSTAGMUS-ASSOCIATED. Identifiers: Orphanet 97, MedGen C1720416, MONDO:0007163, OMIM 108500.
CACNA1A-related disorder. Also called: CACNA1A-related condition.
Inborn genetic diseases. Identifiers: MedGen C0950123, MeSH D030342.

Allele frequency attached by ClinVar (database versions not stated): ESP Exome Variant Server 0.00016; ExAC 0.00002; gnomAD exomes 0.00003; gnomAD 0.00010; TOPMed 0.00015.
gnomAD v4.1: 51 of 1,613,392 alleles (0.0032%); highest among the groups gnomAD compares: African/African-American, 0.012%; no homozygotes.

Submissions (5):

Labcorp Genetics (formerly Invitae), Labcorp
Classification: Likely benign for Developmental and epileptic encephalopathy, 42; Episodic ataxia type 2. Last evaluated: 2026-01-26. Review status: criteria provided, single submitter. Criteria: Invitae Variant Classification Sherloc (09022015). Collection method: clinical testing. Allele origin: germline.

PreventionGenetics, part of Exact Sciences
Classification: Likely benign for CACNA1A-related condition. Last evaluated: 2025-01-18. Review status: criteria provided, single submitter. Criteria: ACMG Guidelines, 2015. Collection method: clinical testing. Allele origin: germline.
Comment: This variant is classified as likely benign based on ACMG/AMP sequence variant interpretation guidelines (Richards et al. 2015 PMID: 25741868, with internal and published modifications).

Ambry Genetics
Classification: Likely benign for Inborn genetic diseases. Last evaluated: 2024-08-14. Review status: criteria provided, single submitter. Criteria: Ambry Variant Classification Scheme 2023. Collection method: clinical testing. Allele origin: germline.

CeGaT Center for Human Genetics Tuebingen
Classification: Uncertain significance. Last evaluated: 2024-08-01. Review status: criteria provided, single submitter. Criteria: CeGaT Center For Human Genetics Tuebingen Variant Classification Criteria Version 2. Collection method: clinical testing. Allele origin: germline. Affected: yes. Observed: 2 variant alleles.
Comment: CACNA1A: PP2

GeneDx
Classification: Uncertain significance. Last evaluated: 2016-12-02. Review status: criteria provided, single submitter. Criteria: GeneDx Variant Classification (06012015). Collection method: clinical testing. Allele origin: germline. Affected: yes.
Comment: A variant of uncertain significance has been identified in the CACNA1A gene. The D1720N variant has not been published as a pathogenic variant, nor has it been reported as a benign variant to our knowledge. The D1720N variant is not observed at a significant frequency in large population cohorts (Lek et al., 2016; 1000 Genomes Consortium et al., 2015; Exome Variant Server). The D1720N variant is a semi-conservative amino acid substitution, which may impact secondary protein structure as these residues differ in some properties. However, this substitution occurs at a position where amino acids with similar properties to Aspartic acid are tolerated across species. In silico analysis is inconsistent in its predictions as to whether or not the variant is damaging to the protein structure/function. Therefore, based on the currently available information, it is unclear whether this variant is a pathogenic variant or a rare benign variant.